The following is an entry in ClinVar:

ClinVar aggregate classification (germline): Pathogenic/Likely pathogenic. Review status: criteria provided, multiple submitters, no conflicts (2 of 4 stars). 7 submissions from 7 submitters: Pathogenic (4); Likely pathogenic (3). Last evaluated 2025-11-19.

Conditions:
Hypophosphatasia. Also called: Phosphoethanol-aminuria. Identifiers: Orphanet 436, MedGen C0020630, MeSH D007014, MONDO:0018570.
Infantile hypophosphatasia. Identifiers: Orphanet 247651, Orphanet 436, MedGen C0268412, MONDO:1010169, OMIM 241500, MONDO:0009427.
Adult hypophosphatasia. Identifiers: Orphanet 247676, Orphanet 436, MedGen C0268413, MONDO:1010154, OMIM 146300, MONDO:0007798.
Childhood hypophosphatasia. Identifiers: Orphanet 247667, Orphanet 436, MedGen C0220743, MONDO:1010168, OMIM 241510, MONDO:0009428.

gnomAD v4.1: 8 of 1,614,036 alleles (0.0005%); highest among the groups gnomAD compares: Non-Finnish European, 0.00059%; no homozygotes.

Submissions (7):

Women's Health and Genetics/Laboratory Corporation of America, LabCorp
Classification: Pathogenic for Hypophosphatasia. Last evaluated: 2025-11-19. Review status: criteria provided, single submitter. Criteria: LabCorp Variant Classification Summary - May 2015. Collection method: clinical testing. Allele origin: germline.
Comment: Variant summary: ALPL c.815G>T (p.Arg272Leu) results in a non-conservative amino acid change in the encoded protein sequence. Algorithms developed to predict the effect of missense changes on protein structure and function all suggest that this variant is likely to be disruptive. The variant allele was found at a frequency of 8e-06 in 251330 control chromosomes. c.815G>T has been observed in individual(s) affected with dominant and recessive Hypophosphatasia (e.g. Spentchian_2003, Tenorio_2017, Glotov_2022). These data indicate that the variant is likely to be associated with disease. A different variant affecting the same codon has been classified as pathogenic by our lab (c.814C>T, p.Arg272Cys), supporting the critical relevance of codon 272 to ALPL protein function. At least one publication reports experimental evidence evaluating an impact on protein function. The most pronounced variant effect results in 33.7% of normal activity (Del Angel_2020). The following publications have been ascertained in the context of this evaluation (PMID: 32160374, 36361766, 12815606, 28127875). ClinVar contains an entry for this variant (Variation ID: 1457567). Based on the evidence outlined above, the variant was classified as pathogenic for dominant and recessive Hypophosphatasia.

Genomenon, Inc
Classification: Likely pathogenic for Hypophosphatasia. Last evaluated: 2025-08-29. Review status: criteria provided, single submitter. Criteria: Genomenon Sequence Variant Interpretation Standards. Collection method: curation. Allele origin: germline. Affected: yes.
Comment: ALPL c.815G>T is a missense variant that changes the amino acid at residue 272 from Arginine to Leucine. This variant has been observed in at least one proband affected with hypophosphatasia (PMID:24863959;18925618;36361766;28127875;12815606). The variant was found to segregate with disease in at least one affected family (PMID:28127875). Functional studies have been reported;however, the significance of the findings remain unclear (PMID:32160374). It is absent or not present at a significant frequency in gnomAD. In silico models agree that this variant is possibly or probably damaging. In conclusion, we classify ALPL p.Arg272Leu (c.815G>T) as a likely pathogenic variant.

Natera, Inc.
Classification: Pathogenic for Hypophosphatasia. Last evaluated: 2025-06-12. Review status: criteria provided, single submitter. Criteria: Natera Variant Classification Schema (03/2026). Collection method: clinical testing. Allele origin: germline.
Comment: The c.815G>T variant in ALPL is a missense variant predicted to cause substitution of arginine to leucine at amino acid 272. This variant is rare in the general population with a frequency below the threshold expected for the associated phenotype(s). This variant has been observed in one or more individuals affected with the associated recessive disease, as either homozygous or compound heterozygous with a second variant (PMID: 28127875, 12815606). Additionally, this variant has been observed to segregate in affected family members (PMID: 28127875). Functional studies show that this variant may disrupt protein function (PMID: 32160374). A different variant at the same position has been determined to be Pathogenic or Likely Pathogenic. Computational prediction algorithms indicate this variant is likely to affect gene or protein function. Given the available evidence, this variant is classified as Pathogenic.

Fulgent Genetics
Classification: Likely pathogenic for Adult hypophosphatasia; Infantile hypophosphatasia; Childhood hypophosphatasia. Last evaluated: 2024-02-08. Review status: criteria provided, single submitter. Criteria: ACMG Guidelines, 2015. Collection method: clinical testing. Allele origin: germline.

Baylor Genetics
Classification: Pathogenic for Adult hypophosphatasia. Last evaluated: 2023-03-25. Review status: criteria provided, single submitter. Criteria: ACMG Guidelines, 2015. Collection method: clinical testing. Allele origin: unknown.

Labcorp Genetics (formerly Invitae), Labcorp
Classification: Pathogenic. Last evaluated: 2020-12-06. Review status: criteria provided, single submitter. Criteria: Invitae Variant Classification Sherloc (09022015). Collection method: clinical testing. Allele origin: germline.
Comment: This variant has been observed in individual(s) with autosomal recessive hypophosphatasia (PMID: 12815606, 28127875). It has also been observed to segregate with disease in related individuals. This variant is also known as R255L. This variant is present in population databases (rs781272386, ExAC 0.002%). This sequence change replaces arginine with leucine at codon 272 of the ALPL protein (p.Arg272Leu). The arginine residue is moderately conserved and there is a moderate physicochemical difference between arginine and leucine. Advanced modeling of protein sequence and biophysical properties (such as structural, functional, and spatial information, amino acid conservation, physicochemical variation, residue mobility, and thermodynamic stability) performed at Invitae indicates that this missense variant is expected to disrupt ALPL protein function. For these reasons, this variant has been classified as Pathogenic. This variant disrupts the p.Arg272 amino acid residue in ALPL. Other variant(s) that disrupt this residue have been determined to be pathogenic (PMID: 17253930, 24378058, 24276437, 18559907). This suggests that this residue is clinically significant, and that variants that disrupt this residue are likely to be disease-causing.

Juno Genomics, Hangzhou Juno Genomics, Inc
Classification: Likely pathogenic for Adult hypophosphatasia; Childhood hypophosphatasia; Infantile hypophosphatasia. Review status: criteria provided, single submitter. Criteria: ACMG Guidelines, 2015. Collection method: clinical testing. Allele origin: germline.
Comment: Absent from controls (or at extremely low frequency if recessive) in Genome Aggregation Database.;Novel missense change at an amino acid residue where a different missense change determined to be pathogenic has been seen before.;Multiple lines of computational evidence support a deleterious effect on the gene or gene product.;For recessive disorders, detected in trans with a pathogenic variant.;Patient's phenotype or family history is highly specific for a disease with a single genetic etiology.;Co-segregation with disease in multiple affected family members.

Literature cited by the submitters: PubMed 32160374 (cited by 3 submitters); PubMed 12815606 (cited by 4 submitters); PubMed 28127875 (cited by 4 submitters); PubMed 36361766 (cited by Women's Health and Genetics/Laboratory Corporation of America, LabCorp and Genomenon, Inc); PubMed 24863959 (cited by Genomenon, Inc); PubMed 18925618 (cited by Genomenon, Inc); PubMed 17253930 (cited by Labcorp Genetics (formerly Invitae), Labcorp); PubMed 24378058 (cited by Labcorp Genetics (formerly Invitae), Labcorp); PubMed 24276437 (cited by Labcorp Genetics (formerly Invitae), Labcorp); PubMed 18559907 (cited by Labcorp Genetics (formerly Invitae), Labcorp).

NM_000478.6(ALPL):c.815G>T (p.Arg272Leu)

Gene: ALPL (alkaline phosphatase, biomineralization associated; plus strand). Cytogenetic location: 1p36.12.
Variant type: single nucleotide variant.
Coding change: c.815G>T on transcript NM_000478.6 (MANE Select); coding-DNA position 815, G replaced by T.
Protein change: p.Arg272Leu; replaces arginine 272 with leucine.
Molecular consequence: missense variant.
Genome position (GRCh38, 1-based): chr1:21,570,327, G>T. VCF-style: chr1-21570327-G-T. GRCh37 (hg19) VCF-style: chr1-21896820-G-T.
Other names: c.650G>T, p.Arg217Leu (NM_001127501.4); c.584G>T, p.Arg195Leu (NM_001177520.3); c.815G>T, p.Arg272Leu (NM_001369803.2, NM_001369804.2, NM_001369805.2); c.815G>T (NM_000478.5); short protein forms R195L, R217L, R272L.
Identifiers: ClinVar variation 1457567 (VCV001457567.13), dbSNP rs781272386, ClinGen allele CA666625.
Genomic context (GRCh38, chr1:21,570,327, plus strand): 5'-TAGCCCCCGGCATGTGCTGACACAGCCCTTCCTCCTAGCACTCCCACTTCATCTGGAACC[G>T]CACGGAACTCCTGACCCTTGACCCCCACAATGTGGACTACCTATTGGGTAAGTGGAGGGG-3'
Protein context (NP_000469.3, residues 262-282): RYKHSHFIWN[Arg272Leu]TELLTLDPHN